The following is an entry in ClinVar:

ClinVar aggregate classification (germline): Uncertain significance (1 of 4 stars; one submission).

Submission:

GeneDx
Classification: Uncertain significance. Last evaluated: 2025-01-31. Review status: criteria provided, single submitter. Criteria: GeneDx Variant Classification Process June 2021. Collection method: clinical testing. Allele origin: germline. Affected: yes.
Comment: Not observed at significant frequency in large population cohorts (gnomAD); In silico analysis indicates that this missense variant does not alter protein structure/function; Has not been previously published as pathogenic or benign to our knowledge

NM_170606.3(KMT2C):c.7342G>T (p.Ala2448Ser)

Gene: KMT2C (lysine methyltransferase 2C; minus strand). Cytogenetic location: 7q36.1.
Variant type: single nucleotide variant.
Coding change: c.7342G>T on transcript NM_170606.3 (MANE Select); coding-DNA position 7342, G replaced by T.
Protein change: p.Ala2448Ser; replaces alanine 2448 with serine.
Molecular consequence: missense variant.
Genome position (GRCh38, 1-based): chr7:152,179,934, C>A on the plus strand (G>T on the coding strand, the complement: KMT2C is on the minus strand). VCF-style: chr7-152179934-C-A. GRCh37 (hg19) VCF-style: chr7-151877019-C-A.
Other names: short protein forms A2448S.
Identifiers: ClinVar variation 4072479 (VCV004072479.1).